The following is an entry in ClinVar:

ClinVar aggregate classification (germline): Uncertain significance (1 of 4 stars; one submission).

gnomAD v4.1: 5 of 1,206,958 alleles (0.00041%); highest among the groups gnomAD compares: Non-Finnish European, 0.00056%; no homozygotes.

Submission:

Labcorp Genetics (formerly Invitae), Labcorp
Classification: Uncertain significance. Last evaluated: 2025-03-17. Review status: criteria provided, single submitter. Criteria: Invitae Variant Classification Sherloc (09022015). Collection method: clinical testing. Allele origin: germline.
Comment: This sequence change replaces threonine, which is neutral and polar, with alanine, which is neutral and non-polar, at codon 1070 of the POLA1 protein (p.Thr1070Ala). This variant is not present in population databases (gnomAD no frequency). This variant has not been reported in the literature in individuals affected with POLA1-related conditions. Invitae Evidence Modeling of protein sequence and biophysical properties (such as structural, functional, and spatial information, amino acid conservation, physicochemical variation, residue mobility, and thermodynamic stability) has been performed for this missense variant. However, the output from this modeling did not meet the statistical confidence thresholds required to predict the impact of this variant on POLA1 protein function. In summary, the available evidence is currently insufficient to determine the role of this variant in disease. Therefore, it has been classified as a Variant of Uncertain Significance.

NM_001330360.2(POLA1):c.3226A>G (p.Thr1076Ala)

Gene: POLA1 (DNA polymerase alpha 1, catalytic subunit; plus strand). Cytogenetic location: Xp22.11.
Variant type: single nucleotide variant.
Coding change: c.3226A>G on transcript NM_001330360.2 (MANE Select); coding-DNA position 3226, A replaced by G.
Protein change: p.Thr1076Ala; replaces threonine 1076 with alanine.
Molecular consequence: missense variant. On other transcripts: non-coding transcript variant (2).
Genome position (GRCh38, 1-based): chrX:24,812,793, A>G. VCF-style: chrX-24812793-A-G. GRCh37 (hg19) VCF-style: chrX-24830910-A-G.
Other names: c.3151A>G, p.Thr1051Ala (NM_001378303.1); c.3208A>G, p.Thr1070Ala (NM_016937.4); short protein forms T1051A, T1070A, T1076A.
Identifiers: ClinVar variation 3648577 (VCV003648577.2).
Genomic context (GRCh38, chrX:24,812,793, plus strand): 5'-CTGAAAAAAAAGAAGTACGCTGCTCTGGTTGTTGAGCCAACGTCGGATGGGAATTATGTC[A>G]CCAAACAGGAGCTCAAAGGATTAGATATAGTTAGAAGAGATTGGTGTGATCTTGCTAAAG-3'
Protein context (NP_001317289.1, residues 1066-1086): VEPTSDGNYV[Thr1076Ala]KQELKGLDIV